The following is an entry in ClinVar:

ClinVar aggregate classification (germline): Uncertain significance. Review status: criteria provided, multiple submitters, no conflicts (2 of 4 stars). 5 submissions from 5 submitters: Uncertain significance (5). Last evaluated 2025-09-01.

Conditions:
Rhabdoid tumor predisposition syndrome 2 (RTPS2). Identifiers: Orphanet 231108, Orphanet 69077, MedGen C2750074, MONDO:0013224, OMIM 613325.
Intellectual disability, autosomal dominant 16 (CSS4). Also called: COFFIN-SIRIS SYNDROME 4. Identifiers: Orphanet 1465, MedGen C3553249, MONDO:0013821, OMIM 614609.
Otosclerosis 12. Identifiers: MedGen C5935610, MONDO:0968980, OMIM 620792.
Hereditary cancer-predisposing syndrome. Also called: Neoplastic Syndromes, Hereditary; Tumor predisposition; Hereditary Cancer Syndrome; Hereditary neoplastic syndrome. Identifiers: Orphanet 140162, MedGen C0027672, MeSH D009386, MONDO:0015356.

Allele frequency attached by ClinVar (database versions not stated): TOPMed below 0.00001.
gnomAD v4.1: 11 of 1,613,774 alleles (0.00068%); highest among the groups gnomAD compares: South Asian, 0.0011%; no homozygotes.

Submissions (5):

Labcorp Genetics (formerly Invitae), Labcorp
Classification: Uncertain significance for Rhabdoid tumor predisposition syndrome 2. Last evaluated: 2025-09-01. Review status: criteria provided, single submitter. Criteria: Invitae Variant Classification Sherloc (09022015). Collection method: clinical testing. Allele origin: germline.
Comment: This sequence change replaces serine, which is neutral and polar, with leucine, which is neutral and non-polar, at codon 122 of the SMARCA4 protein (p.Ser122Leu). This variant is not present in population databases (gnomAD no frequency). This variant has not been reported in the literature in individuals affected with SMARCA4-related conditions. ClinVar contains an entry for this variant (Variation ID: 484861). Invitae Evidence Modeling of protein sequence and biophysical properties (such as structural, functional, and spatial information, amino acid conservation, physicochemical variation, residue mobility, and thermodynamic stability) indicates that this missense variant is not expected to disrupt SMARCA4 protein function with a negative predictive value of 80%. In summary, the available evidence is currently insufficient to determine the role of this variant in disease. Therefore, it has been classified as a Variant of Uncertain Significance.

Ambry Genetics
Classification: Uncertain significance for Hereditary cancer-predisposing syndrome. Last evaluated: 2025-08-01. Review status: criteria provided, single submitter. Criteria: Ambry Variant Classification Scheme 2023. Collection method: clinical testing. Allele origin: germline.
Comment: The p.S122L variant (also known as c.365C>T), located in coding exon 3 of the SMARCA4 gene, results from a C to T substitution at nucleotide position 365. The serine at codon 122 is replaced by leucine, an amino acid with dissimilar properties. Missense and in-frame variants in SMARCA4 are known to cause neurodevelopmental disorders; however, such associations with rhabdoid tumor predisposition syndrome including small cell carcinoma of the ovary-hypercalcemic type (SCCOHT) are exceedingly rare (Kosho T et al. Am J Med Genet C Semin Med Genet. 2014 Sep;166C(3):262-75; Jelinic P et al. Nat Genet. 2014 May;46(5):424-6). This amino acid position is highly conserved in available vertebrate species. In addition, this alteration is predicted to be deleterious by in silico analysis. Since supporting evidence is limited at this time, the clinical significance of this alteration remains unclear.

Fulgent Genetics
Classification: Uncertain significance for Rhabdoid tumor predisposition syndrome 2; Intellectual disability, autosomal dominant 16; Otosclerosis 12. Last evaluated: 2024-01-17. Review status: criteria provided, single submitter. Criteria: ACMG Guidelines, 2015. Collection method: clinical testing. Allele origin: germline.

Baylor Genetics
Classification: Uncertain significance for Rhabdoid tumor predisposition syndrome 2. Last evaluated: 2023-10-24. Review status: criteria provided, single submitter. Criteria: ACMG Guidelines, 2015. Collection method: clinical testing. Allele origin: unknown.

Genome-Nilou Lab
Classification: Uncertain significance for Intellectual disability, autosomal dominant 16. Last evaluated: 2021-07-15. Review status: criteria provided, single submitter. Criteria: ACMG Guidelines, 2015. Collection method: clinical testing. Allele origin: germline. Affected: no.

NM_003072.5(SMARCA4):c.365C>T (p.Ser122Leu)

Gene: SMARCA4 (SWI/SNF related BAF chromatin remodeling complex subunit ATPase 4; plus strand). Cytogenetic location: 19p13.2.
Variant type: single nucleotide variant.
Coding change: c.365C>T on transcript NM_003072.5 (MANE Select); coding-DNA position 365, C replaced by T.
Protein change: p.Ser122Leu; replaces serine 122 with leucine.
Molecular consequence: missense variant. On other transcripts: non-coding transcript variant (1).
Genome position (GRCh38, 1-based): chr19:10,986,198, C>T. VCF-style: chr19-10986198-C-T. GRCh37 (hg19) VCF-style: chr19-11096874-C-T.
Other names: c.365C>T, p.Ser122Leu (NM_001128844.3, NM_001128845.2, NM_001128846.2 and 5 more transcripts); c.365C>T (NM_001128849.2); short protein forms S122L.
Identifiers: ClinVar variation 484861 (VCV000484861.21), dbSNP rs1555752859, ClinGen allele CA404055587.